The following is an entry in ClinVar:

NM_001395656.1(ROBO2):c.*1958C>T

Gene: ROBO2 (roundabout guidance receptor 2; plus strand). Cytogenetic location: 3p12.3.
Variant type: single nucleotide variant.
Coding change: c.*1958C>T on transcript NM_001395656.1 (MANE Select); 1958 bases downstream of the stop codon, C replaced by T.
Molecular consequence: 3 prime UTR variant.
Genome position (GRCh38, 1-based): chr3:77,648,013, C>T. VCF-style: chr3-77648013-C-T. GRCh37 (hg19) VCF-style: chr3-77697164-C-T.
Other names: c.*1958C>T (NM_001128929.3, NM_001290039.2, NM_001290040.2 and 14 more transcripts); c.*1955C>T (NM_001378194.1, NM_001378196.1, NM_001378199.1 and 3 more transcripts).
Identifiers: ClinVar variation 346744 (VCV000346744.6), dbSNP rs147850774, ClinGen allele CA10619611.

ClinVar aggregate classification (germline): Benign (1 of 4 stars; one submission).

Conditions:
Vesicoureteral reflux 2 (VUR2). Identifiers: Orphanet 289365, MedGen C1970483, MONDO:0012573, OMIM 610878.

Allele frequency attached by ClinVar (database versions not stated): 1000 Genomes Project 30x 0.00281; 1000 Genomes Project 0.00300; gnomAD 0.00349 and 0.00376; TOPMed 0.00369.

Submission:

Illumina Laboratory Services, Illumina
Classification: Benign for Vesicoureteral reflux 2. Last evaluated: 2018-01-13. Review status: criteria provided, single submitter. Criteria: ICSL Variant Classification Criteria 13 December 2019. Collection method: clinical testing. Allele origin: germline.
Comment: This variant was observed in the ICSL laboratory as part of a predisposition screen in an ostensibly healthy population. It had not been previously curated by ICSL or reported in the Human Gene Mutation Database (HGMD: prior to June 1st, 2018), and was therefore a candidate for classification through an automated scoring system. Utilizing variant allele frequency, disease prevalence and penetrance estimates, and inheritance mode, an automated score was calculated to assess if this variant is too frequent to cause the disease. Based on the score and internal cut-off values, a variant classified as benign is not then subjected to further curation. The score for this variant resulted in a classification of benign for this disease.